The following is an entry in ClinVar:

NM_001082971.2(DDC):c.202-27C>T

Genes: DDC (dopa decarboxylase; minus strand), DDC-AS1 (DDC antisense RNA 1; plus strand). Cytogenetic location: 7p12.1.
Variant type: single nucleotide variant.
Coding change: c.202-27C>T on transcript NM_001082971.2 (MANE Select); 27 bases into the intron before coding-DNA position 202, C replaced by T.
Molecular consequence: intron variant. On other transcripts: non-coding transcript variant (1).
Genome position (GRCh38, 1-based): chr7:50,540,055, G>A on the plus strand (C>T on the coding strand, the complement: DDC is on the minus strand). VCF-style: chr7-50540055-G-A. GRCh37 (hg19) VCF-style: chr7-50607753-G-A.
Other names: p.?; c.201+3830C>T (NM_001242888.2); c.202-2076C>T (NM_001242886.2); c.202-27C>T (NM_001242889.2, NM_001242887.2, NM_000790.4 and 1 more transcripts).
Identifiers: ClinVar variation 4683268 (VCV004683268.1).
Genomic context (GRCh38, chr7:50,540,055, plus strand): 5'-AGGCGAAGAAGTAGGGGCTGTGCCAGTGCGTCACCTGCATGGGAGGACAGAGCAGCTGCT[G>A]AGGAGTGAGGAAAGCCAGGCCTCAAGAGAGCGGGGGACCCAGGTACCCCCATGGCTCCCA-3'

ClinVar aggregate classification (germline): Likely benign (1 of 4 stars; one submission).

gnomAD v4.1: 5,460 of 1,572,238 alleles (0.35%); highest among the groups gnomAD compares: Non-Finnish European, 0.45%; 15 homozygotes.

Submission:

Mayo Clinic Laboratories, Mayo Clinic
Classification: Likely benign. Last evaluated: 2025-02-28. Review status: criteria provided, single submitter. Criteria: ACMG Guidelines, 2015. Collection method: clinical testing. Allele origin: germline. Observed: 1 variant allele.
Comment: BS1, BS2, BP7